The following is an entry in ClinVar:

NM_001367624.2(ZNF469):c.4844C>A (p.Thr1615Asn)

Gene: ZNF469 (zinc finger protein 469; plus strand). Cytogenetic location: 16q24.2.
Variant type: single nucleotide variant.
Coding change: c.4844C>A on transcript NM_001367624.2 (MANE Select); coding-DNA position 4844, C replaced by A.
Protein change: p.Thr1615Asn; replaces threonine 1615 with asparagine.
Molecular consequence: missense variant.
Genome position (GRCh38, 1-based): chr16:88,432,314, C>A. VCF-style: chr16-88432314-C-A. GRCh37 (hg19) VCF-style: chr16-88498722-C-A.
Other names: NM_001127464.1:c.4760C>A; short protein forms T1615N.
Identifiers: ClinVar variation 3476279 (VCV003476279.1).

ClinVar aggregate classification (germline): Uncertain significance (1 of 4 stars; one submission).

Conditions:
Cardiovascular phenotype. Identifiers: MedGen CN230736.

Submission:

Ambry Genetics
Classification: Uncertain significance for Cardiovascular phenotype. Last evaluated: 2024-11-18. Review status: criteria provided, single submitter. Criteria: Ambry Variant Classification Scheme 2023. Collection method: clinical testing. Allele origin: germline.
Comment: The p.T1587N variant (also known as c.4760C>A), located in coding exon 2 of the ZNF469 gene, results from a C to A substitution at nucleotide position 4760. The threonine at codon 1587 is replaced by asparagine, an amino acid with similar properties. This amino acid position is conserved. In addition, this alteration is predicted to be tolerated by in silico analysis. Based on the available evidence, the clinical significance of this variant remains unclear.